The following is an entry in ClinVar:

NM_145059.3(FCSK):c.2234G>A (p.Arg745His)

Gene: FCSK (fucose kinase; plus strand). Cytogenetic location: 16q22.1.
Variant type: single nucleotide variant.
Coding change: c.2234G>A on transcript NM_145059.3 (MANE Select); coding-DNA position 2234, G replaced by A.
Protein change: p.Arg745His; replaces arginine 745 with histidine.
Molecular consequence: missense variant.
Genome position (GRCh38, 1-based): chr16:70,474,868, G>A. VCF-style: chr16-70474868-G-A. GRCh37 (hg19) VCF-style: chr16-70508771-G-A.
Other names: c.2234G>A (NM_145059.2); short protein forms R745H.
Identifiers: ClinVar variation 1682390 (VCV001682390.9), dbSNP rs200256917, ClinGen allele CA8143529.

ClinVar aggregate classification (germline): Uncertain significance. Review status: criteria provided, multiple submitters, no conflicts (2 of 4 stars). 3 submissions from 3 submitters: Uncertain significance (3). Last evaluated 2025-09-21.

Allele frequency attached by ClinVar (database versions not stated): 1000 Genomes Project 30x 0.00016; gnomAD 0.00052 and 0.00055; gnomAD exomes 0.00054; TOPMed 0.00057; ESP Exome Variant Server 0.00065; 1000 Genomes Project 0.00080; ExAC 0.00104.
gnomAD v4.1: 1,512 of 1,598,762 alleles (0.095%); highest among the groups gnomAD compares: Non-Finnish European, 0.12%; 2 homozygotes.

Submissions (3):

Labcorp Genetics (formerly Invitae), Labcorp
Classification: Uncertain significance. Last evaluated: 2025-09-21. Review status: criteria provided, single submitter. Criteria: Invitae Variant Classification Sherloc (09022015). Collection method: clinical testing. Allele origin: germline.
Comment: This sequence change replaces arginine, which is basic and polar, with histidine, which is basic and polar, at codon 745 of the FUK protein (p.Arg745His). This variant is present in population databases (rs200256917, gnomAD 0.1%), and has an allele count higher than expected for a pathogenic variant. This variant has not been reported in the literature in individuals affected with FUK-related conditions. ClinVar contains an entry for this variant (Variation ID: 1682390). An algorithm developed to predict the effect of missense changes on protein structure and function (PolyPhen-2) suggests that this variant is likely to be tolerated. In summary, the available evidence is currently insufficient to determine the role of this variant in disease. Therefore, it has been classified as a Variant of Uncertain Significance.

Ambry Genetics
Classification: Uncertain significance. Last evaluated: 2024-06-05. Review status: criteria provided, single submitter. Criteria: Ambry Variant Classification Scheme 2023. Collection method: clinical testing. Allele origin: germline.

Breakthrough Genomics
Classification: Uncertain significance. Review status: criteria provided, single submitter. Criteria: ACMG Guidelines, 2015. Collection method: not provided. Allele origin: germline. Inheritance: Autosomal recessive inheritance. Affected: yes.